The following is an entry in ClinVar:

ClinVar aggregate classification (germline): Uncertain significance. Review status: criteria provided, multiple submitters, no conflicts (2 of 4 stars). 3 submissions from 3 submitters: Uncertain significance (2). 1 of the submissions does not count toward it. Last evaluated 2024-06-26.

Conditions:
Hereditary cancer-predisposing syndrome. Also called: Neoplastic Syndromes, Hereditary; Tumor predisposition; Hereditary Cancer Syndrome; Hereditary neoplastic syndrome. Identifiers: Orphanet 140162, MedGen C0027672, MeSH D009386, MONDO:0015356.
Bloom syndrome (BLM). Also called: Bloom-Torre-Machacek syndrome. Identifiers: Orphanet 125, MedGen C0005859, MONDO:0008876, OMIM 210900.

Submissions (3):

Labcorp Genetics (formerly Invitae), Labcorp
Classification: Uncertain significance for Bloom syndrome. Last evaluated: 2024-06-26. Review status: criteria provided, single submitter. Criteria: Invitae Variant Classification Sherloc (09022015). Collection method: clinical testing. Allele origin: germline.
Comment: This sequence change replaces aspartic acid, which is acidic and polar, with glutamic acid, which is acidic and polar, at codon 1152 of the BLM protein (p.Asp1152Glu). This variant is not present in population databases (gnomAD no frequency). This variant has not been reported in the literature in individuals affected with BLM-related conditions. ClinVar contains an entry for this variant (Variation ID: 1002312). Advanced modeling of protein sequence and biophysical properties (such as structural, functional, and spatial information, amino acid conservation, physicochemical variation, residue mobility, and thermodynamic stability) performed at Invitae indicates that this missense variant is not expected to disrupt BLM protein function with a negative predictive value of 80%. In summary, the available evidence is currently insufficient to determine the role of this variant in disease. Therefore, it has been classified as a Variant of Uncertain Significance.

Ambry Genetics
Classification: Uncertain significance for Hereditary cancer-predisposing syndrome. Last evaluated: 2024-04-11. Review status: criteria provided, single submitter. Criteria: Ambry Variant Classification Scheme 2023. Collection method: clinical testing. Allele origin: germline.
Comment: The p.D1152E variant (also known as c.3456C>G), located in coding exon 17 of the BLM gene, results from a C to G substitution at nucleotide position 3456. The aspartic acid at codon 1152 is replaced by glutamic acid, an amino acid with highly similar properties. This amino acid position is conserved. In addition, this alteration is predicted to be tolerated by in silico analysis. Based on the available evidence, the clinical significance of this variant remains unclear.

Natera, Inc.
Classification: Uncertain significance for Bloom syndrome. Last evaluated: 2020-07-02. Review status: no assertion criteria provided. Collection method: clinical testing. Allele origin: germline. Not counted in ClinVar's aggregate classification.

NM_000057.4(BLM):c.3456C>G (p.Asp1152Glu)

Gene: BLM (BLM RecQ like helicase; plus strand). Cytogenetic location: 15q26.1.
Variant type: single nucleotide variant.
Coding change: c.3456C>G on transcript NM_000057.4 (MANE Select); coding-DNA position 3456, C replaced by G.
Protein change: p.Asp1152Glu; replaces aspartic acid 1152 with glutamic acid.
Molecular consequence: missense variant. On other transcripts: intron variant (1).
Genome position (GRCh38, 1-based): chr15:90,803,618, C>G. VCF-style: chr15-90803618-C-G. GRCh37 (hg19) VCF-style: chr15-91346848-C-G.
Other names: c.3456C>G, p.Asp1152Glu (NM_001287246.2); c.2331C>G, p.Asp777Glu (NM_001287248.2); c.3358+5281C>G (NM_001287247.2); c.3456C>G (NM_000057.2); short protein forms D1152E, D777E.
Identifiers: ClinVar variation 1002312 (VCV001002312.13), dbSNP rs1897216087, ClinGen allele CA393847634.
Genomic context (GRCh38, chr15:90,803,618, plus strand): 5'-AAAAGGATCTGCTTATTCACGACACAATGCCGAAAGACTTTTTAAAAAGCTGATACTTGA[C>G]AAGATTTTGGATGAAGACTTATATATCAATGCCAATGACCAGGCGATCGCTTATGTGATG-3'
Protein context (NP_000048.1, residues 1142-1162): AERLFKKLIL[Asp1152Glu]KILDEDLYIN